The following is an entry in ClinVar:

ClinVar aggregate classification (germline): Conflicting classifications of pathogenicity. Review status: criteria provided, conflicting classifications (1 of 4 stars). 3 submissions from 2 submitters: Uncertain significance (2); Likely benign (1). Last evaluated 2025-03-03.

Conditions:
Autosomal recessive nonsyndromic hearing loss 12. Also called: DEAFNESS, AUTOSOMAL RECESSIVE 12. Identifiers: Orphanet 90636, MedGen C1832394, MONDO:0011067, OMIM 601386.
Usher syndrome type 1D (USH1D). Also called: USHER SYNDROME, TYPE ID. Identifiers: Orphanet 231169, Orphanet 886, MedGen C1832845, MONDO:0010984, OMIM 601067.
CDH23-related disorder. Also called: CDH23-related disorders; CDH23-related condition.

Allele frequency attached by ClinVar (database versions not stated): gnomAD 0.00023 and 0.00025; TOPMed 0.00031; gnomAD exomes 0.00045.
gnomAD v4.1: 49 of 177,154 alleles (0.028%); highest among the groups gnomAD compares: Non-Finnish European, 0.048%; no homozygotes.

Submissions (3):

PreventionGenetics, part of Exact Sciences
Classification: Likely benign for CDH23-related condition. Last evaluated: 2025-03-03. Review status: criteria provided, single submitter. Criteria: ACMG Guidelines, 2015. Collection method: clinical testing. Allele origin: germline.
Comment: This variant is classified as likely benign based on ACMG/AMP sequence variant interpretation guidelines (Richards et al. 2015 PMID: 25741868, with internal and published modifications).

Illumina Laboratory Services, Illumina
Classification: Uncertain significance for Usher syndrome type 1D. Last evaluated: 2017-04-28. Review status: criteria provided, single submitter. Criteria: ICSL Variant Classification Criteria 13 December 2019. Collection method: clinical testing. Allele origin: germline.

Illumina Laboratory Services, Illumina
Classification: Uncertain significance for Autosomal recessive nonsyndromic hearing loss 12. Last evaluated: 2017-04-28. Review status: criteria provided, single submitter. Criteria: ICSL Variant Classification Criteria 13 December 2019. Collection method: clinical testing. Allele origin: germline.

NM_022124.6(CDH23):c.-55G>A

Gene: CDH23 (cadherin related 23; plus strand). Cytogenetic location: 10q22.1.
Variant type: single nucleotide variant.
Coding change: c.-55G>A on transcript NM_022124.6 (MANE Select); 55 bases upstream of the start codon, G replaced by A.
Molecular consequence: 5 prime UTR variant.
Genome position (GRCh38, 1-based): chr10:71,397,269, G>A. VCF-style: chr10-71397269-G-A. GRCh37 (hg19) VCF-style: chr10-73157026-G-A.
Other names: c.-55G>A (NM_001171930.2, NM_001171931.2, NM_001171932.2 and 1 more transcripts).
Identifiers: ClinVar variation 878901 (VCV000878901.5), dbSNP rs939943382, ClinGen allele CA209404638.
Genomic context (GRCh38, chr10:71,397,269, plus strand): 5'-GAAGACGCGGCGGTGGCCAGGGCCAGAGCAGGCGGCCCGCGGGGGCCGATCCGGCGGAGA[G>A]CAGAGCCCGAGGCGAGGCGAGGCGCGGCGCCGCTGCACACACGCACACGGTACCCGGAGC-3'